The following is an entry in ClinVar:

ClinVar aggregate classification (germline): Uncertain significance (1 of 4 stars; one submission).

Conditions:
Hereditary cancer-predisposing syndrome. Also called: Hereditary neoplastic syndrome; Neoplastic Syndromes, Hereditary; Tumor predisposition; Hereditary Cancer Syndrome. Identifiers: Orphanet 140162, MedGen C0027672, MeSH D009386, MONDO:0015356.

Submission:

Ambry Genetics
Classification: Uncertain significance for Hereditary cancer-predisposing syndrome. Last evaluated: 2026-05-03. Review status: criteria provided, single submitter. Criteria: Ambry Variant Classification Scheme 2023. Collection method: clinical testing. Allele origin: germline.
Comment: The p.S110N variant (also known as c.329G>A), located in coding exon 1 of the GREM1 gene, results from a G to A substitution at nucleotide position 329. The serine at codon 110 is replaced by asparagine, an amino acid with highly similar properties. This amino acid position is conserved. In addition, this alteration is predicted to be tolerated by in silico analysis. Based on the available evidence, the clinical significance of this variant remains unclear.

NM_013372.7(GREM1):c.329G>A (p.Ser110Asn)

Gene: GREM1 (gremlin 1, DAN family BMP antagonist; plus strand). Cytogenetic location: 15q13.3.
Variant type: single nucleotide variant.
Coding change: c.329G>A on transcript NM_013372.7 (MANE Select); coding-DNA position 329, G replaced by A.
Protein change: p.Ser110Asn; replaces serine 110 with asparagine.
Molecular consequence: missense variant.
Genome position (GRCh38, 1-based): chr15:32,731,019, G>A. VCF-style: chr15-32731019-G-A. GRCh37 (hg19) VCF-style: chr15-33023220-G-A.
Other names: c.119G>A, p.Ser40Asn (NM_001191322.2); c.206G>A, p.Ser69Asn (NM_001191323.2); c.329G>A, p.Ser110Asn (NM_001368719.1); short protein forms S69N, S110N, S40N.
Identifiers: ClinVar variation 4858193 (VCV004858193.1).